The following is an entry in ClinVar:

ClinVar aggregate classification (germline): Likely benign. Review status: criteria provided, multiple submitters, no conflicts (2 of 4 stars). 2 submissions from 2 submitters: Likely benign (2). Last evaluated 2022-05-01.

Conditions:
Hereditary cancer-predisposing syndrome. Also called: Hereditary Cancer Syndrome; Neoplastic Syndromes, Hereditary; Tumor predisposition; Hereditary neoplastic syndrome. Identifiers: Orphanet 140162, MedGen C0027672, MeSH D009386, MONDO:0015356.

gnomAD v4.1: 1 of 1,612,930 alleles (0.000062%); no homozygotes.

Submissions (2):

Ambry Genetics
Classification: Likely benign for Hereditary cancer-predisposing syndrome. Last evaluated: 2022-05-01. Review status: criteria provided, single submitter. Criteria: Ambry Variant Classification Scheme 2023. Collection method: clinical testing. Allele origin: germline.

GeneDx
Classification: Likely benign. Last evaluated: 2017-11-01. Review status: criteria provided, single submitter. Criteria: GeneDx Variant Classification (06012015). Collection method: clinical testing. Allele origin: germline. Affected: yes.
Comment: This variant is considered likely benign or benign based on one or more of the following criteria: it is a conservative change, it occurs at a poorly conserved position in the protein, it is predicted to be benign by multiple in silico algorithms, and/or has population frequency not consistent with disease.

NM_000059.4(BRCA2):c.9252A>G (p.Lys3084=)

Gene: BRCA2 (BRCA2 DNA repair associated; plus strand). Cytogenetic location: 13q13.1.
Variant type: single nucleotide variant.
Coding change: c.9252A>G on transcript NM_000059.4 (MANE Select); coding-DNA position 9252, A replaced by G.
Protein change: p.Lys3084=; no amino-acid change (lysine 3084 retained).
Molecular consequence: synonymous variant.
Genome position (GRCh38, 1-based): chr13:32,380,141, A>G. VCF-style: chr13-32380141-A-G. GRCh37 (hg19) VCF-style: chr13-32954278-A-G.
Identifiers: ClinVar variation 513178 (VCV000513178.3), dbSNP rs1555288582, ClinGen allele CA483262149.
Genomic context (GRCh38, chr13:32,380,141, plus strand): 5'-CTTTCAGCCATCTTGTTCTGAGGTGGACCTAATAGGATTTGTCGTTTCTGTTGTGAAAAA[A>G]ACAGGTAATGCACAATATAGTTAATTTTTTTTATTGATTCTTTTAAAAAACATTGTCTTT-3'
Protein context (NP_000050.3, residues 3074-3094): LIGFVVSVVK[Lys3084=]TGLAPFVYLS